The following is an entry in ClinVar:

ClinVar aggregate classification (germline): Uncertain significance (1 of 4 stars; one submission).

Conditions:
COL11A1-related disorder. Also called: COL11A1-related disorders; COL11A1-related condition.

gnomAD v4.1: 2 of 1,613,156 alleles (0.00012%); highest among the groups gnomAD compares: Non-Finnish European, 0.000085%; no homozygotes.

Submission:

PreventionGenetics, part of Exact Sciences
Classification: Uncertain significance for COL11A1-related condition. Last evaluated: 2025-05-23. Review status: criteria provided, single submitter. Criteria: ACMG Guidelines, 2015. Collection method: clinical testing. Allele origin: germline.
Comment: The COL11A1 c.968G>A variant is predicted to result in the amino acid substitution p.Arg323Lys. To our knowledge, this variant has not been reported in the literature or in a large population database (gnomAD), indicating that the variant is rare. At this time, the clinical significance of this variant is uncertain due to the absence of conclusive functional and genetic evidence.

NM_001854.4(COL11A1):c.968G>A (p.Arg323Lys)

Gene: COL11A1 (collagen type XI alpha 1 chain; minus strand). Cytogenetic location: 1p21.1.
Variant type: single nucleotide variant.
Coding change: c.968G>A on transcript NM_001854.4 (MANE Select); coding-DNA position 968, G replaced by A.
Protein change: p.Arg323Lys; replaces arginine 323 with lysine.
Molecular consequence: missense variant. On other transcripts: non-coding transcript variant (1), intron variant (1).
Genome position (GRCh38, 1-based): chr1:103,025,543, C>T on the plus strand (G>A on the coding strand, the complement: COL11A1 is on the minus strand). VCF-style: chr1-103025543-C-T. GRCh37 (hg19) VCF-style: chr1-103491099-C-T.
Other names: c.851G>A, p.Arg284Lys (NM_001190709.2); c.1004G>A, p.Arg335Lys (NM_080629.3); c.897+673G>A (NM_080630.4); short protein forms R284K, R335K, R323K.
Identifiers: ClinVar variation 5002022 (VCV005002022.1).